The following is an entry in ClinVar:

ClinVar aggregate classification (germline): Uncertain significance. Review status: criteria provided, multiple submitters, no conflicts (2 of 4 stars). 3 submissions from 3 submitters: Uncertain significance (3). Last evaluated 2026-02-10.

Conditions:
ANKRD26-related disorder. Also called: ANKRD26-related condition.
Inborn genetic diseases. Identifiers: MedGen C0950123, MeSH D030342.

Allele frequency attached by ClinVar (database versions not stated): TOPMed below 0.00001; gnomAD 0.00001; gnomAD exomes 0.00001; ExAC 0.00002.
gnomAD v4.1: 14 of 1,611,724 alleles (0.00087%); highest among the groups gnomAD compares: Admixed American, 0.0017%; no homozygotes.

Submissions (3):

PreventionGenetics, part of Exact Sciences
Classification: Uncertain significance for ANKRD26-related condition. Last evaluated: 2026-02-10. Review status: criteria provided, single submitter. Criteria: ACMG Guidelines, 2015. Collection method: clinical testing. Allele origin: germline.
Comment: The ANKRD26 c.3868C>G variant is predicted to result in the amino acid substitution p.His1290Asp. To our knowledge, this variant has not been reported in the literature. This variant is reported in 0.0036% of alleles in individuals of European (Non-Finnish) descent in gnomAD. At this time, the clinical significance of this variant is uncertain due to the absence of conclusive functional and genetic evidence.

Ambry Genetics
Classification: Uncertain significance for Inborn genetic diseases. Last evaluated: 2024-12-12. Review status: criteria provided, single submitter. Criteria: Ambry Variant Classification Scheme 2023. Collection method: clinical testing. Allele origin: germline.
Comment: The p.H1290D variant (also known as c.3868C>G), located in coding exon 26 of the ANKRD26 gene, results from a C to G substitution at nucleotide position 3868. The histidine at codon 1290 is replaced by aspartic acid, an amino acid with similar properties. This amino acid position is conserved. In addition, this alteration is predicted to be tolerated by in silico analysis. Based on the available evidence, the clinical significance of this variant remains unclear.

Labcorp Genetics (formerly Invitae), Labcorp
Classification: Uncertain significance. Last evaluated: 2023-05-22. Review status: criteria provided, single submitter. Criteria: Invitae Variant Classification Sherloc (09022015). Collection method: clinical testing. Allele origin: germline.
Comment: In summary, the available evidence is currently insufficient to determine the role of this variant in disease. Therefore, it has been classified as a Variant of Uncertain Significance. Algorithms developed to predict the effect of missense changes on protein structure and function output the following: SIFT: "Not Available"; PolyPhen-2: "Benign"; Align-GVGD: "Not Available". The aspartic acid amino acid residue is found in multiple mammalian species, which suggests that this missense change does not adversely affect protein function. This variant has not been reported in the literature in individuals affected with ANKRD26-related conditions. This variant is present in population databases (rs756341370, gnomAD 0.004%). This sequence change replaces histidine, which is basic and polar, with aspartic acid, which is acidic and polar, at codon 1290 of the ANKRD26 protein (p.His1290Asp).

NM_014915.3(ANKRD26):c.3868C>G (p.His1290Asp)

Gene: ANKRD26 (ankyrin repeat domain 26; minus strand). Cytogenetic location: 10p12.1.
Variant type: single nucleotide variant.
Coding change: c.3868C>G on transcript NM_014915.3 (MANE Select); coding-DNA position 3868, C replaced by G.
Protein change: p.His1290Asp; replaces histidine 1290 with aspartic acid.
Molecular consequence: missense variant.
Genome position (GRCh38, 1-based): chr10:27,029,296, G>C on the plus strand (C>G on the coding strand, the complement: ANKRD26 is on the minus strand). VCF-style: chr10-27029296-G-C. GRCh37 (hg19) VCF-style: chr10-27318225-G-C.
Other names: c.3865C>G, p.His1289Asp (NM_001256053.2); short protein forms H1289D, H1290D.
Identifiers: ClinVar variation 2900302 (VCV002900302.5), dbSNP rs756341370, ClinGen allele CA5447919.
Genomic context (GRCh38, chr10:27,029,296, plus strand): 5'-ATTTGCTCTATAAATAATCATGTTTTTCTGTGTGCTGCTTTAAATTTTACTTTTGCTTGT[G>C]ATCTTGCATCTTCTCAGCACATCTGACAGCTTCTGTATGTCGATCCTGTGCTTCTTGCAA-3'
Protein context (NP_055730.2, residues 1280-1300): AVRCAEKMQD[His1290Asp]KQKLEKDNAK